The following is an entry in ClinVar:

ClinVar aggregate classification (germline): Uncertain significance. Review status: criteria provided, multiple submitters, no conflicts (2 of 4 stars). 3 submissions from 3 submitters: Uncertain significance (3). Last evaluated 2026-08-04.

Conditions:
VPS13B-related disorder. Also called: VPS13B-related condition.
Inborn genetic diseases. Identifiers: MedGen C0950123, MeSH D030342.
Cohen syndrome (COH1). Also called: PEPPER SYNDROME; Cutis verticis gyrata, retinitis pigmentosa, and sensorineural deafness. Identifiers: Orphanet 193, MedGen C0265223, MONDO:0008999, OMIM 216550.

Allele frequency attached by ClinVar (database versions not stated): gnomAD exomes below 0.00001; ExAC 0.00001.
gnomAD v4.1: 1 of 1,613,750 alleles (0.000062%); no homozygotes.

Submissions (3):

PreventionGenetics, part of Exact Sciences
Classification: Uncertain significance for VPS13B-related condition. Last evaluated: 2026-08-04. Review status: criteria provided, single submitter. Criteria: ACMG Guidelines, 2015. Collection method: clinical testing. Allele origin: germline.
Comment: The VPS13B c.5924T>G variant is predicted to result in the amino acid substitution p.Leu1975Arg. To our knowledge, this variant has not been reported in the literature. This variant is reported in 0.00088% of alleles in individuals of European (Non-Finnish) descent in gnomAD. At this time, the clinical significance of this variant is uncertain due to the absence of conclusive functional and genetic evidence.

Ambry Genetics
Classification: Uncertain significance for Inborn genetic diseases. Last evaluated: 2024-12-25. Review status: criteria provided, single submitter. Criteria: Ambry Variant Classification Scheme 2023. Collection method: clinical testing. Allele origin: germline.

Labcorp Genetics (formerly Invitae), Labcorp
Classification: Uncertain significance for Cohen syndrome. Last evaluated: 2021-11-18. Review status: criteria provided, single submitter. Criteria: Invitae Variant Classification Sherloc (09022015). Collection method: clinical testing. Allele origin: germline.
Comment: This sequence change replaces leucine, which is neutral and non-polar, with arginine, which is basic and polar, at codon 2000 of the VPS13B protein (p.Leu2000Arg). This variant is present in population databases (rs766541661, gnomAD 0.0009%). This variant has not been reported in the literature in individuals affected with VPS13B-related conditions. Algorithms developed to predict the effect of missense changes on protein structure and function are either unavailable or do not agree on the potential impact of this missense change (SIFT: "Not Available"; PolyPhen-2: "Probably Damaging"; Align-GVGD: "Not Available"). In summary, the available evidence is currently insufficient to determine the role of this variant in disease. Therefore, it has been classified as a Variant of Uncertain Significance.

NM_152564.5(VPS13B):c.5924T>G (p.Leu1975Arg)

Gene: VPS13B (vacuolar protein sorting 13 homolog B; plus strand). Cytogenetic location: 8q22.2.
Variant type: single nucleotide variant.
Coding change: c.5924T>G on transcript NM_152564.5 (MANE Select); coding-DNA position 5924, T replaced by G.
Protein change: p.Leu1975Arg; replaces leucine 1975 with arginine.
Molecular consequence: missense variant.
Genome position (GRCh38, 1-based): chr8:99,661,369, T>G. VCF-style: chr8-99661369-T-G. GRCh37 (hg19) VCF-style: chr8-100673597-T-G.
Other names: c.5999T>G (NM_017890.3); c.5999T>G, p.Leu2000Arg (NM_017890.5); c.5924T>G (NM_152564.4); short protein forms L1975R, L2000R.
Identifiers: ClinVar variation 1424955 (VCV001424955.5), dbSNP rs766541661, ClinGen allele CA4823904.